The following is an entry in ClinVar:

ClinVar aggregate classification (germline): Uncertain significance (1 of 4 stars; one submission).

Conditions:
Hereditary cancer-predisposing syndrome. Also called: Neoplastic Syndromes, Hereditary; Tumor predisposition; Hereditary neoplastic syndrome; Hereditary Cancer Syndrome. Identifiers: Orphanet 140162, MedGen C0027672, MeSH D009386, MONDO:0015356.

Submission:

Ambry Genetics
Classification: Uncertain significance for Hereditary cancer-predisposing syndrome. Last evaluated: 2024-02-12. Review status: criteria provided, single submitter. Criteria: Ambry Variant Classification Scheme 2023. Collection method: clinical testing. Allele origin: germline.
Comment: The p.D746N variant (also known as c.2236G>A), located in coding exon 16 of the TSC1 gene, results from a G to A substitution at nucleotide position 2236. The aspartic acid at codon 746 is replaced by asparagine, an amino acid with highly similar properties. This amino acid position is conserved. In addition, this alteration is predicted to be tolerated by in silico analysis. Based on the available evidence, the clinical significance of this alteration remains unclear.

NM_000368.5(TSC1):c.2236G>A (p.Asp746Asn)

Gene: TSC1 (TSC complex subunit 1; minus strand). Cytogenetic location: 9q34.13.
Variant type: single nucleotide variant.
Coding change: c.2236G>A on transcript NM_000368.5 (MANE Select); coding-DNA position 2236, G replaced by A.
Protein change: p.Asp746Asn; replaces aspartic acid 746 with asparagine.
Molecular consequence: missense variant. On other transcripts: non-coding transcript variant (5).
Genome position (GRCh38, 1-based): chr9:132,902,760, C>T on the plus strand (G>A on the coding strand, the complement: TSC1 is on the minus strand). VCF-style: chr9-132902760-C-T. GRCh37 (hg19) VCF-style: chr9-135778147-C-T.
Other names: c.2233G>A, p.Asp745Asn (NM_001162426.2, NM_001406597.1, NM_001406598.1 and 4 more transcripts); c.2083G>A, p.Asp695Asn (NM_001162427.2, NM_001406610.1); c.1873G>A, p.Asp625Asn (NM_001362177.2, NM_001406614.1, NM_001406615.1 and 5 more transcripts); c.2236G>A, p.Asp746Asn (NM_001406592.1, NM_001406593.1, NM_001406594.1 and 5 more transcripts); c.2221G>A, p.Asp741Asn (NM_001406601.1, NM_001406602.1); c.2218G>A, p.Asp740Asn (NM_001406603.1, NM_001406604.1); c.1183G>A, p.Asp395Asn (NM_001406630.1, NM_001406629.1); c.2080G>A, p.Asp694Asn (NM_001406611.1, NM_001406612.1, NM_001406613.1); and 3 more; short protein forms D395N, D428N, D429N, D624N, D625N, D694N, D695N, D740N.
Identifiers: ClinVar variation 3231297 (VCV003231297.1), dbSNP rs786203007, ClinGen allele CA375359987.